The following is an entry in ClinVar:

ClinVar aggregate classification (germline): Uncertain significance (1 of 4 stars; one submission).

Conditions:
Holocarboxylase synthetase deficiency. Also called: MULTIPLE CARBOXYLASE DEFICIENCY, EARLY ONSET. Identifiers: Orphanet 79242, MedGen C0268581, MONDO:0009666, OMIM 253270.

Submission:

Myriad Genetics, Inc.
Classification: Uncertain significance for Holocarboxylase synthetase deficiency. Last evaluated: 2025-12-26. Review status: criteria provided, single submitter. Criteria: Myriad Autosomal Dominant, Autosomal Recessive and X-Linked Classification Criteria (2023). Collection method: clinical testing. Allele origin: unknown.
Comment: NM_000411.6(HLCS):c.3G>A(M1?) is an initiation codon variant classified as a variant of uncertain significance in the context of holocarboxylase synthetase deficiency. M1? has not been observed in cases with relevant disease. Relevant functional assessments of this variant are not available in the literature. M1? has not been observed in referenced population frequency databases. In summary, there is insufficient evidence to classify NM_000411.6(HLCS):c.3G>A(M1?) as pathogenic or benign. Please note: this variant was assessed in the context of healthy population screening.

NM_001352514.2(HLCS):c.444G>A (p.Met148Ile)

Gene: HLCS (holocarboxylase synthetase; minus strand). Cytogenetic location: 21q22.13.
Variant type: single nucleotide variant.
Coding change: c.444G>A on transcript NM_001352514.2 (MANE Select); coding-DNA position 444, G replaced by A.
Protein change: p.Met148Ile; replaces methionine 148 with isoleucine.
Molecular consequence: missense variant. On other transcripts: initiator codon variant (7), non-coding transcript variant (2).
Genome position (GRCh38, 1-based): chr21:36,938,881, C>T on the plus strand (G>A on the coding strand, the complement: HLCS is on the minus strand). VCF-style: chr21-36938881-C-T. GRCh37 (hg19) VCF-style: chr21-38311181-C-T.
Other names: c.3G>A, p.Met1Ile (NM_000411.8, NM_001242784.3, NM_001242785.2 and 4 more transcripts); short protein forms M1I, M148I.
Identifiers: ClinVar variation 5003885 (VCV005003885.1).